The following is an entry in ClinVar:

NM_001374353.1(GLI2):c.4402C>G (p.Pro1468Ala)

Gene: GLI2 (GLI family zinc finger 2; plus strand). Cytogenetic location: 2q14.2.
Variant type: single nucleotide variant.
Coding change: c.4402C>G on transcript NM_001374353.1 (MANE Select); coding-DNA position 4402, C replaced by G.
Protein change: p.Pro1468Ala; replaces proline 1468 with alanine.
Molecular consequence: missense variant.
Genome position (GRCh38, 1-based): chr2:120,990,367, C>G. VCF-style: chr2-120990367-C-G. GRCh37 (hg19) VCF-style: chr2-121747943-C-G.
Other names: c.4453C>G, p.Pro1485Ala (NM_001371271.1, NM_005270.5); c.4027C>G, p.Pro1343Ala (NM_001374354.1); short protein forms P1485A, P1468A, P1343A.
Identifiers: ClinVar variation 439761 (VCV000439761.11), dbSNP rs145958673, ClinGen allele CA1852625.
Genomic context (GRCh38, chr2:120,990,367, plus strand): 5'-AGCTGCCAGGTCATGCGGTCCCAGCCACCACAGCCACAGGCCTGTCAGGACAGCATCCAG[C>G]CCCAGCCCTTGCCCTCACCAGGGGTCAACCAGGTGTCCAGCACTGTGGACTCCCAGCTCC-3'
Protein context (NP_001361282.1, residues 1458-1478): QPQACQDSIQ[Pro1468Ala]QPLPSPGVNQ

ClinVar aggregate classification (germline): Uncertain significance. Review status: criteria provided, multiple submitters, no conflicts (2 of 4 stars). 2 submissions from 2 submitters: Uncertain significance (2). Last evaluated 2025-03-18.

Conditions:
Postaxial polydactyly-anterior pituitary anomalies-facial dysmorphism syndrome. Also called: Culler-Jones syndrome. Identifiers: Orphanet 420584, MedGen C4014479, MONDO:0014369, OMIM 615849.
Holoprosencephaly 9 (HPE9). Also called: HOLOPROSENCEPHALY WITH MICROPHTHALMIA AND FIRST BRANCHIAL ARCH ANOMALIES; PITUITARY ANOMALIES WITH HOLOPROSENCEPHALY-LIKE FEATURES. Identifiers: Orphanet 2162, MedGen C1835819, MONDO:0012563, OMIM 610829.

Allele frequency attached by ClinVar (database versions not stated): ExAC 0.00002; gnomAD 0.00008 and 0.00009; TOPMed 0.00008; ESP Exome Variant Server 0.00015.
gnomAD v4.1: 26 of 1,613,952 alleles (0.0016%); highest among the groups gnomAD compares: African/African-American, 0.027%; no homozygotes.

Submissions (2):

Labcorp Genetics (formerly Invitae), Labcorp
Classification: Uncertain significance for Postaxial polydactyly-anterior pituitary anomalies-facial dysmorphism syndrome; Holoprosencephaly 9. Last evaluated: 2025-03-18. Review status: criteria provided, single submitter. Criteria: Invitae Variant Classification Sherloc (09022015). Collection method: clinical testing. Allele origin: germline.
Comment: This sequence change replaces proline, which is neutral and non-polar, with alanine, which is neutral and non-polar, at codon 1485 of the GLI2 protein (p.Pro1485Ala). This variant is present in population databases (rs145958673, gnomAD 0.02%). This missense change has been observed in individual(s) with GLI2-related conditions (PMID: 22967285). ClinVar contains an entry for this variant (Variation ID: 439761). Invitae Evidence Modeling of protein sequence and biophysical properties (such as structural, functional, and spatial information, amino acid conservation, physicochemical variation, residue mobility, and thermodynamic stability) indicates that this missense variant is not expected to disrupt GLI2 protein function with a negative predictive value of 80%. In summary, the available evidence is currently insufficient to determine the role of this variant in disease. Therefore, it has been classified as a Variant of Uncertain Significance.

ARUP Laboratories, Molecular Genetics and Genomics, ARUP Laboratories
Classification: Uncertain significance. Last evaluated: 2016-12-29. Review status: criteria provided, single submitter. Criteria: ARUP Molecular Germline Variant Investigation Process. Collection method: clinical testing. Allele origin: germline.

Literature cited by the submitters: PubMed 22967285 (cited by Labcorp Genetics (formerly Invitae), Labcorp).